The following is an entry in ClinVar:

ClinVar aggregate classification (germline): Benign. Review status: criteria provided, multiple submitters, no conflicts (2 of 4 stars). 6 submissions from 4 submitters: Benign (6). Last evaluated 2021-09-05.

Conditions:
Usher syndrome type 1 (USH1). Also called: RETINITIS PIGMENTOSA AND CONGENITAL DEAFNESS. Identifiers: Orphanet 231169, Orphanet 886, MedGen C1568247, MONDO:0010168, OMIM 276900.
Autosomal dominant nonsyndromic hearing loss 11. Identifiers: Orphanet 90635, MedGen C1832475, MONDO:0011032, OMIM 601317.
Autosomal recessive nonsyndromic hearing loss 2. Also called: DEAFNESS, AUTOSOMAL RECESSIVE 2; NEUROSENSORY NONSYNDROMIC RECESSIVE DEAFNESS 2. Identifiers: Orphanet 90636, MedGen C1838701, MONDO:0010807, OMIM 600060.

Allele frequency attached by ClinVar (database versions not stated): gnomAD exomes 0.54019 and 0.54915; 1000 Genomes Project 0.54533; 1000 Genomes Project 30x 0.55075; ExAC 0.56449; gnomAD 0.58139 and 0.59156; ESP Exome Variant Server 0.58157; TOPMed 0.59011.
gnomAD v4.1: 841,390 of 1,548,086 alleles (54%); highest among the groups gnomAD compares: African/African-American, 68%; 231,942 homozygotes.

Submissions (6):

Genome-Nilou Lab
Classification: Benign for Autosomal dominant nonsyndromic hearing loss 11. Last evaluated: 2021-09-05. Review status: criteria provided, single submitter. Criteria: ACMG Guidelines, 2015. Collection method: clinical testing. Allele origin: germline. Affected: no.

Genome-Nilou Lab
Classification: Benign for Autosomal recessive nonsyndromic hearing loss 2. Last evaluated: 2021-09-05. Review status: criteria provided, single submitter. Criteria: ACMG Guidelines, 2015. Collection method: clinical testing. Allele origin: germline. Affected: no.

Genome-Nilou Lab
Classification: Benign for Usher syndrome type 1. Last evaluated: 2021-09-05. Review status: criteria provided, single submitter. Criteria: ACMG Guidelines, 2015. Collection method: clinical testing. Allele origin: germline. Affected: no.

GeneDx
Classification: Benign. Last evaluated: 2018-06-13. Review status: criteria provided, single submitter. Criteria: GeneDx Variant Classification (06012015). Collection method: clinical testing. Allele origin: germline. Affected: yes.
Comment: This variant is considered likely benign or benign based on one or more of the following criteria: it is a conservative change, it occurs at a poorly conserved position in the protein, it is predicted to be benign by multiple in silico algorithms, and/or has population frequency not consistent with disease.

Breakthrough Genomics
Classification: Benign. Review status: criteria provided, single submitter. Criteria: ACMG Guidelines, 2015. Collection method: not provided. Allele origin: germline. Inheritance: Autosomal recessive inheritance. Affected: yes.

PreventionGenetics, part of Exact Sciences
Classification: Benign. Review status: criteria provided, single submitter. Criteria: ACMG Guidelines, 2015. Collection method: clinical testing. Allele origin: germline.

NM_000260.4(MYO7A):c.4323+35G>T

Gene: MYO7A (myosin VIIA; plus strand). Cytogenetic location: 11q13.5.
Variant type: single nucleotide variant.
Coding change: c.4323+35G>T on transcript NM_000260.4 (MANE Select); 35 bases into the intron after coding-DNA position 4323, G replaced by T.
Molecular consequence: intron variant.
Genome position (GRCh38, 1-based): chr11:77,194,559, G>T. VCF-style: chr11-77194559-G-T. GRCh37 (hg19) VCF-style: chr11-76905604-G-T.
Other names: c.4290+35G>T (NM_001369365.1); c.4323+35G>T (NM_001127180.2).
Identifiers: ClinVar variation 255663 (VCV000255663.5), dbSNP rs1109977, ClinGen allele CA6198409.